The following is an entry in ClinVar:

NM_005121.3(MED13):c.1840G>T (p.Ala614Ser)

Gene: MED13 (mediator complex subunit 13; minus strand). Cytogenetic location: 17q23.2.
Variant type: single nucleotide variant.
Coding change: c.1840G>T on transcript NM_005121.3 (MANE Select); coding-DNA position 1840, G replaced by T.
Protein change: p.Ala614Ser; replaces alanine 614 with serine.
Molecular consequence: missense variant.
Genome position (GRCh38, 1-based): chr17:62,010,677, C>A on the plus strand (G>T on the coding strand, the complement: MED13 is on the minus strand). VCF-style: chr17-62010677-C-A. GRCh37 (hg19) VCF-style: chr17-60088038-C-A.
Other names: short protein forms A614S.
Identifiers: ClinVar variation 1331583 (VCV001331583.4), dbSNP rs1288885723, ClinGen allele CA400517904.

ClinVar aggregate classification (germline): Uncertain significance (1 of 4 stars; one submission).

Allele frequency attached by ClinVar (database versions not stated): gnomAD exomes below 0.00001.
gnomAD v4.1: 3 of 1,536,174 alleles (0.0002%); highest among the groups gnomAD compares: Non-Finnish European, 0.00026%; no homozygotes.

Submission:

Greenwood Genetic Center Diagnostic Laboratories, Greenwood Genetic Center
Classification: Uncertain significance. Last evaluated: 2021-02-15. Review status: criteria provided, single submitter. Criteria: ACMG Guidelines, 2015. Collection method: clinical testing. Allele origin: germline. Affected: yes.
Comment: BP4